The following is an entry in ClinVar:

NM_004544.4(NDUFA10):c.17T>G (p.Leu6Arg)

Gene: NDUFA10 (NADH:ubiquinone oxidoreductase subunit A10; minus strand). Cytogenetic location: 2q37.3.
Variant type: single nucleotide variant.
Coding change: c.17T>G on transcript NM_004544.4 (MANE Select); coding-DNA position 17, T replaced by G.
Protein change: p.Leu6Arg; replaces leucine 6 with arginine.
Molecular consequence: missense variant. On other transcripts: non-coding transcript variant (4).
Genome position (GRCh38, 1-based): chr2:240,025,285, A>C on the plus strand (T>G on the coding strand, the complement: NDUFA10 is on the minus strand). VCF-style: chr2-240025285-A-C. GRCh37 (hg19) VCF-style: chr2-240964702-A-C.
Other names: c.17T>G, p.Leu6Arg (NM_001322019.2, NM_001322020.2, NM_001410987.1); short protein forms L6R.
Identifiers: ClinVar variation 1718918 (VCV001718918.5), dbSNP rs1331702158, ClinGen allele CA351275171.

ClinVar aggregate classification (germline): Uncertain significance (1 of 4 stars; one submission).

Allele frequency attached by ClinVar (database versions not stated): TOPMed 0.00001.

Submission:

Labcorp Genetics (formerly Invitae), Labcorp
Classification: Uncertain significance. Last evaluated: 2024-06-03. Review status: criteria provided, single submitter. Criteria: Invitae Variant Classification Sherloc (09022015). Collection method: clinical testing. Allele origin: germline.
Comment: This sequence change replaces leucine, which is neutral and non-polar, with arginine, which is basic and polar, at codon 6 of the NDUFA10 protein (p.Leu6Arg). This variant is not present in population databases (gnomAD no frequency). This variant has not been reported in the literature in individuals affected with NDUFA10-related conditions. ClinVar contains an entry for this variant (Variation ID: 1718918). An algorithm developed to predict the effect of missense changes on protein structure and function (PolyPhen-2) suggests that this variant is likely to be disruptive. In summary, the available evidence is currently insufficient to determine the role of this variant in disease. Therefore, it has been classified as a Variant of Uncertain Significance.